The following is an entry in ClinVar:

NM_002335.4(LRP5):c.4225C>T (p.Arg1409Cys)

Gene: LRP5 (LDL receptor related protein 5; plus strand). Cytogenetic location: 11q13.2.
Variant type: single nucleotide variant.
Coding change: c.4225C>T on transcript NM_002335.4 (MANE Select); coding-DNA position 4225, C replaced by T.
Protein change: p.Arg1409Cys; replaces arginine 1409 with cysteine.
Molecular consequence: missense variant.
Genome position (GRCh38, 1-based): chr11:68,438,559, C>T. VCF-style: chr11-68438559-C-T. GRCh37 (hg19) VCF-style: chr11-68206027-C-T.
Other names: c.2482C>T, p.Arg828Cys (NM_001291902.2); c.4225C>T (NM_002335.2); short protein forms R1409C, R828C.
Identifiers: ClinVar variation 497791 (VCV000497791.40), dbSNP rs759834541, ClinGen allele CA6150283.

ClinVar aggregate classification (germline): Uncertain significance. Review status: criteria provided, multiple submitters, no conflicts (2 of 4 stars). 4 submissions from 4 submitters: Uncertain significance (3). 1 of the submissions does not count toward it. Last evaluated 2025-12-23.

Conditions:
Inborn genetic diseases. Identifiers: MedGen C0950123, MeSH D030342.
Autosomal dominant polycystic liver disease. Also called: Polycystic liver disease; Congenital cystic disease of liver. Identifiers: Orphanet 2924, MedGen C0158683, MONDO:0000447, HP:0006557.

Allele frequency attached by ClinVar (database versions not stated): ExAC 0.00001; gnomAD 0.00002 and 0.00003; TOPMed 0.00002.
gnomAD v4.1: 41 of 1,614,042 alleles (0.0025%); highest among the groups gnomAD compares: East Asian, 0.0089%; no homozygotes.

Submissions (4):

Labcorp Genetics (formerly Invitae), Labcorp
Classification: Uncertain significance. Last evaluated: 2025-12-23. Review status: criteria provided, single submitter. Criteria: Invitae Variant Classification Sherloc (09022015). Collection method: clinical testing. Allele origin: germline.
Comment: This sequence change replaces arginine, which is basic and polar, with cysteine, which is neutral and slightly polar, at codon 1409 of the LRP5 protein (p.Arg1409Cys). This variant is present in population databases (rs759834541, gnomAD 0.01%). This variant has not been reported in the literature in individuals affected with LRP5-related conditions. ClinVar contains an entry for this variant (Variation ID: 497791). Invitae Evidence Modeling of protein sequence and biophysical properties (such as structural, functional, and spatial information, amino acid conservation, physicochemical variation, residue mobility, and thermodynamic stability) has been performed for this missense variant. However, the output from this modeling did not meet the statistical confidence thresholds required to predict the impact of this variant on LRP5 protein function. In summary, the available evidence is currently insufficient to determine the role of this variant in disease. Therefore, it has been classified as a Variant of Uncertain Significance.

Ambry Genetics
Classification: Uncertain significance for Inborn genetic diseases. Last evaluated: 2025-08-08. Review status: criteria provided, single submitter. Criteria: Ambry Variant Classification Scheme 2023. Collection method: clinical testing. Allele origin: germline.

Eurofins Ntd Llc (ga)
Classification: Uncertain significance. Last evaluated: 2016-10-14. Review status: criteria provided, single submitter. Criteria: EGL Classification Definitions 2015. Collection method: clinical testing. Allele origin: germline. Observed: 1 variant allele, 1 heterozygote.

Laboratory of Gastroenterology and Hepatology, Radboud University Medical Center
Classification: Uncertain significance for Autosomal dominant polycystic liver disease. Last evaluated: 2021-09-01. Review status: no assertion criteria provided. Collection method: research. Allele origin: germline. Affected: yes. Not counted in ClinVar's aggregate classification.